The following is an entry in ClinVar:

ClinVar aggregate classification (germline): Uncertain significance (1 of 4 stars; one submission).

Conditions:
Primary ciliary dyskinesia. Also called: Ciliary dyskinesia. Identifiers: Orphanet 244, MedGen C0008780, MONDO:0016575, HP:0012265.

Submission:

Labcorp Genetics (formerly Invitae), Labcorp
Classification: Uncertain significance for Primary ciliary dyskinesia. Last evaluated: 2021-12-24. Review status: criteria provided, single submitter. Criteria: Invitae Variant Classification Sherloc (09022015). Collection method: clinical testing. Allele origin: germline.
Comment: In summary, the available evidence is currently insufficient to determine the role of this variant in disease. Therefore, it has been classified as a Variant of Uncertain Significance. Algorithms developed to predict the effect of missense changes on protein structure and function output the following: SIFT: "Tolerated"; PolyPhen-2: "Possibly Damaging"; Align-GVGD: "Class C0". The serine amino acid residue is found in multiple mammalian species, which suggests that this missense change does not adversely affect protein function. This variant has not been reported in the literature in individuals affected with DNAAF1-related conditions. This variant is not present in population databases (gnomAD no frequency). This sequence change replaces tryptophan, which is neutral and slightly polar, with serine, which is neutral and polar, at codon 714 of the DNAAF1 protein (p.Trp714Ser).

NM_178452.6(DNAAF1):c.2141G>C (p.Trp714Ser)

Gene: DNAAF1 (dynein axonemal assembly factor 1; plus strand). Cytogenetic location: 16q24.1.
Variant type: single nucleotide variant.
Coding change: c.2141G>C on transcript NM_178452.6 (MANE Select); coding-DNA position 2141, G replaced by C.
Protein change: p.Trp714Ser; replaces tryptophan 714 with serine.
Molecular consequence: missense variant.
Genome position (GRCh38, 1-based): chr16:84,177,804, G>C. VCF-style: chr16-84177804-G-C. GRCh37 (hg19) VCF-style: chr16-84211410-G-C.
Other names: c.1433G>C, p.Trp478Ser (NM_001318756.1); short protein forms W714S, W478S.
Identifiers: ClinVar variation 1368687 (VCV001368687.8), dbSNP rs2088819587, ClinGen allele CA396952090.